The following is an entry in ClinVar:

ClinVar aggregate classification (germline): Pathogenic (1 of 4 stars; one submission).

Submission:

Labcorp Genetics (formerly Invitae), Labcorp
Classification: Pathogenic. Last evaluated: 2025-06-26. Review status: criteria provided, single submitter. Criteria: Invitae Variant Classification Sherloc (09022015). Collection method: clinical testing. Allele origin: germline.
Comment: This sequence change creates a premature translational stop signal (p.Pro27Hisfs*14) in the KIF11 gene. It is expected to result in an absent or disrupted protein product. Loss-of-function variants in KIF11 are known to be pathogenic (PMID: 22284827, 24281367). This variant is not present in population databases (gnomAD no frequency). This variant has not been reported in the literature in individuals affected with KIF11-related conditions. For these reasons, this variant has been classified as Pathogenic.

Literature cited by the submitters: PubMed 22284827; PubMed 24281367.

NM_004523.4(KIF11):c.80del (p.Pro27fs)

Gene: KIF11 (kinesin family member 11; plus strand). Cytogenetic location: 10q23.33.
Variant type: Deletion.
Coding change: c.80del on transcript NM_004523.4 (MANE Select); coding-DNA position 80, one base deleted (C; older notation c.80delC).
Protein change: p.Pro27fs; shifts the reading frame from proline 27.
Molecular consequence: frameshift variant.
Genome position (GRCh38, 1-based): chr10:92,606,267, C deleted; the last of 2 consecutive C bases (chr10:92,606,266-92,606,267); deleting either gives the same sequence. VCF-style (leftmost placement, unchanged base first): chr10-92606265-AC-A. GRCh37 (hg19) VCF-style: chr10-94366022-AC-A.
Other names: short protein forms P27fs.
Identifiers: ClinVar variation 4722160 (VCV004722160.1).